The following is an entry in ClinVar:

NM_001080467.3(MYO5B):c.27+9_27+10delinsTT

Gene: MYO5B (myosin VB; minus strand). Cytogenetic location: 18q21.1.
Variant type: Indel.
Coding change: c.27+9_27+10delinsTT on transcript NM_001080467.3 (MANE Select); bases 9 to 10 of the intron after coding-DNA position 27, GG replaced by TT.
Molecular consequence: intron variant.
Genome position (GRCh38, 1-based): chr18:50,194,757-50,194,758, CC replaced by AA on the plus strand (GG replaced by TT on the coding strand, the reverse complement: MYO5B is on the minus strand). VCF-style: chr18-50194757-CC-AA. GRCh37 (hg19) VCF-style: chr18-47721127-CC-AA.
Identifiers: ClinVar variation 2868295 (VCV002868295.3), dbSNP rs2511304642, ClinGen allele CA2739268749.

ClinVar aggregate classification (germline): Uncertain significance (1 of 4 stars; one submission).

Submission:

Labcorp Genetics (formerly Invitae), Labcorp
Classification: Uncertain significance. Last evaluated: 2023-07-10. Review status: criteria provided, single submitter. Criteria: Invitae Variant Classification Sherloc (09022015). Collection method: clinical testing. Allele origin: germline.
Comment: In summary, the available evidence is currently insufficient to determine the role of this variant in disease. Therefore, it has been classified as a Variant of Uncertain Significance. Experimental studies and prediction algorithms are not available or were not evaluated, and the effect of this variant on mRNA splicing is currently unknown. This variant has not been reported in the literature in individuals affected with MYO5B-related conditions. Information on the frequency of this variant in the gnomAD database is not available, as this variant may be reported differently in the database. This sequence change falls in intron 1 of the MYO5B gene. It does not directly change the encoded amino acid sequence of the MYO5B protein.